The following is an entry in ClinVar:

ClinVar aggregate classification (germline): Uncertain significance (1 of 4 stars; one submission).

Conditions:
Coffin-Siris syndrome 1 (CSS1). Also called: ARID1B-Related Coffin-Siris Syndrome; Mental retardation, autosomal dominant 12. Identifiers: Orphanet 1465, MedGen C3281201, MONDO:0007617, OMIM 135900. Disease mechanism: gain of function.

Submission:

Baylor Genetics
Classification: Uncertain significance for Coffin-Siris syndrome 1. Last evaluated: 2018-03-20. Review status: criteria provided, single submitter. Criteria: ACMG Guidelines, 2015. Collection method: clinical testing. Allele origin: maternal. Affected: yes.
Comment: This variant was determined to be of uncertain significance according to ACMG Guidelines, 2015 [PMID:25741868].

NM_001374828.1(ARID1B):c.895G>A (p.Ala299Thr)

Genes: ARID1B (AT-rich interaction domain 1B; plus strand), LOC129997525 (ATAC-STARR-seq lymphoblastoid silent region 17712; plus strand). Cytogenetic location: 6q25.3.
Variant type: single nucleotide variant.
Coding change: c.895G>A on transcript NM_001374828.1 (MANE Select); coding-DNA position 895, G replaced by A.
Protein change: p.Ala299Thr; replaces alanine 299 with threonine.
Molecular consequence: missense variant.
Genome position (GRCh38, 1-based): chr6:156,778,575, G>A. VCF-style: chr6-156778575-G-A. GRCh37 (hg19) VCF-style: chr6-157099709-G-A.
Other names: c.646G>A (NM_020732.3); c.895G>A, p.Ala299Thr (NM_001371656.1, NM_001374820.1, NM_017519.3); short protein forms A299T.
Identifiers: ClinVar variation 1032090 (VCV001032090.1), dbSNP rs1323525221, ClinGen allele CA366382351.